The following is an entry in ClinVar:

NM_006914.4(RORB):c.697G>A (p.Glu233Lys)

Gene: RORB (RAR related orphan receptor B; plus strand). Cytogenetic location: 9q21.13.
Variant type: single nucleotide variant.
Coding change: c.697G>A on transcript NM_006914.4 (MANE Select); coding-DNA position 697, G replaced by A.
Protein change: p.Glu233Lys; replaces glutamic acid 233 with lysine.
Molecular consequence: missense variant.
Genome position (GRCh38, 1-based): chr9:74,660,676, G>A. VCF-style: chr9-74660676-G-A. GRCh37 (hg19) VCF-style: chr9-77275592-G-A.
Other names: c.730G>A, p.Glu244Lys (NM_001365023.1); short protein forms E233K, E244K.
Identifiers: ClinVar variation 1346313 (VCV001346313.6), dbSNP rs2118510968, ClinGen allele CA373770485.
Genomic context (GRCh38, chr9:74,660,676, plus strand): 5'-GACCGAATTGCACAGAACATCATTAAGTCCCATTTGGAGACATGTCAATACACCATGGAA[G>A]AGCTGCACCAGCTGGCGTGGCAGACCCACACCTATGAAGAAATTAAAGCATATCAAAGCA-3'
Protein context (NP_008845.2, residues 223-243): HLETCQYTME[Glu233Lys]LHQLAWQTHT

ClinVar aggregate classification (germline): Uncertain significance (1 of 4 stars; one submission).

Submission:

Labcorp Genetics (formerly Invitae), Labcorp
Classification: Uncertain significance. Last evaluated: 2021-10-29. Review status: criteria provided, single submitter. Criteria: Invitae Variant Classification Sherloc (09022015). Collection method: clinical testing. Allele origin: germline.
Comment: This sequence change replaces glutamic acid, which is acidic and polar, with lysine, which is basic and polar, at codon 233 of the RORB protein (p.Glu233Lys). This variant is not present in population databases (gnomAD no frequency). This variant has not been reported in the literature in individuals affected with RORB-related conditions. Algorithms developed to predict the effect of missense changes on protein structure and function are either unavailable or do not agree on the potential impact of this missense change (SIFT: "Tolerated"; PolyPhen-2: "Possibly Damaging"; Align-GVGD: "Class C0"). In summary, the available evidence is currently insufficient to determine the role of this variant in disease. Therefore, it has been classified as a Variant of Uncertain Significance.